The following is an entry in ClinVar:

NM_004621.6(TRPC6):c.1567_1570del (p.Phe523fs)

Gene: TRPC6 (transient receptor potential cation channel subfamily C member 6; minus strand). Cytogenetic location: 11q22.1.
Variant type: Microsatellite.
Coding change: c.1567_1570del on transcript NM_004621.6 (MANE Select); coding-DNA positions 1567 to 1570, 4 bases deleted (TTTG; older notation c.1567_1570delTTTG).
Protein change: p.Phe523fs; shifts the reading frame from phenylalanine 523.
Molecular consequence: frameshift variant.
Genome position (GRCh38, 1-based): chr11:101,476,475-101,476,478, CAAA deleted on the plus strand (TTTG on the coding strand, the reverse complement: TRPC6 is on the minus strand); deleting any 4 consecutive bases within chr11:101,476,475-101,476,482 gives the same sequence; the c. name uses the placement nearest the transcript's 3' end. VCF-style (leftmost placement, unchanged base first): chr11-101476474-TCAAA-T. GRCh37 (hg19) VCF-style: chr11-101347205-TCAAA-T.
Other names: short protein forms F523fs.
Identifiers: ClinVar variation 3361737 (VCV003361737.1).
Genomic context (GRCh38, chr11:101,476,474, plus strand): 5'-CTCGCAATGAATGATGCTGCGAAAATTGCTAACATACCAAAATCAAGCATGTTCCACAAC[TCAAA>T]CAAATATTCCTTGGGGCCCTGAGTCCAGATTTCTTTACATTCAGCCCATATCATGCCTGC-3'

ClinVar aggregate classification (germline): Uncertain significance (1 of 4 stars; one submission).

Submission:

GeneDx
Classification: Uncertain significance. Last evaluated: 2023-07-30. Review status: criteria provided, single submitter. Criteria: GeneDx Variant Classification Process June 2021. Collection method: clinical testing. Allele origin: germline. Affected: yes.
Comment: Not observed at significant frequency in large population cohorts (gnomAD); Has not been previously published as pathogenic or benign to our knowledge; Frameshift variant predicted to result in protein truncation or nonsense mediated decay in a gene or region of a gene for which loss of function is not a known mechanism of disease